The following is an entry in ClinVar:

ClinVar aggregate classification (germline): Uncertain significance (1 of 4 stars; one submission).

Conditions:
Familial thoracic aortic aneurysm and aortic dissection (TAAD). Also called: Thoracic aortic aneurysms and dissections. Identifiers: Orphanet 91387, MedGen C4707243, MONDO:0019625.

Submission:

Labcorp Genetics (formerly Invitae), Labcorp
Classification: Uncertain significance for Familial thoracic aortic aneurysm and aortic dissection. Last evaluated: 2019-04-22. Review status: criteria provided, single submitter. Criteria: Invitae Variant Classification Sherloc (09022015). Collection method: clinical testing. Allele origin: germline.
Comment: In summary, the available evidence is currently insufficient to determine the role of this variant in disease. Therefore, it has been classified as a Variant of Uncertain Significance. Algorithms developed to predict the effect of missense changes on protein structure and function (SIFT, PolyPhen-2, Align-GVGD) all suggest that this variant is likely to be disruptive, but these predictions have not been confirmed by published functional studies and their clinical significance is uncertain. This variant has been observed in individuals with clinical features of TGFBR1-related conditions (PMID: 27879313, Invitae). This variant is not present in population databases (ExAC no frequency). This sequence change replaces glycine with arginine at codon 226 of the TGFBR1 protein (p.Gly226Arg). The glycine residue is highly conserved and there is a moderate physicochemical difference between glycine and arginine.

Literature cited by the submitters: PubMed 27879313.

NM_004612.4(TGFBR1):c.676G>A (p.Gly226Arg)

Gene: TGFBR1 (transforming growth factor beta receptor 1; plus strand). Cytogenetic location: 9q22.33.
Variant type: single nucleotide variant.
Coding change: c.676G>A on transcript NM_004612.4 (MANE Select); coding-DNA position 676, G replaced by A.
Protein change: p.Gly226Arg; replaces glycine 226 with arginine.
Molecular consequence: missense variant.
Genome position (GRCh38, 1-based): chr9:99,137,960, G>A. VCF-style: chr9-99137960-G-A. GRCh37 (hg19) VCF-style: chr9-101900242-G-A.
Other names: c.445G>A, p.Gly149Arg (NM_001130916.3); c.688G>A, p.Gly230Arg (NM_001306210.2); short protein forms G226R, G230R, G149R.
Identifiers: ClinVar variation 947383 (VCV000947383.10), dbSNP rs1827486970, ClinGen allele CA374229649.